The following is an entry in ClinVar:

ClinVar aggregate classification (germline): Uncertain significance. Review status: criteria provided, multiple submitters, no conflicts (2 of 4 stars). 2 submissions from 2 submitters: Uncertain significance (2). Last evaluated 2025-12-29.

Conditions:
Hereditary spastic paraplegia 11. Also called: Spastic paraplegia, mental retardation and thin corpus callosum; Nakamura Osame syndrome; Autosomal recessive hereditary spastic paraplegia, mental impairment, and thin corpus callosum; SPASTIC PARAPLEGIA, AUTOSOMAL RECESSIVE, COMPLICATED, WITH THIN CORPUS CALLOSUM; SPASTIC PARAPLEGIA, AUTOSOMAL RECESSIVE, WITH MENTAL IMPAIRMENT AND THIN CORPUS CALLOSUM; Spastic Paraplegia 11. Identifiers: Orphanet 2822, MedGen C1858479, MONDO:0011445, OMIM 604360.

Allele frequency attached by ClinVar (database versions not stated): TOPMed 0.00001; gnomAD 0.00001.
gnomAD v4.1: 4 of 1,614,080 alleles (0.00025%); highest among the groups gnomAD compares: Non-Finnish European, 0.00034%; no homozygotes.

Submissions (2):

Women's Health and Genetics/Laboratory Corporation of America, LabCorp
Classification: Uncertain significance. Last evaluated: 2025-12-29. Review status: criteria provided, single submitter. Criteria: LabCorp Variant Classification Summary - May 2015. Collection method: clinical testing. Allele origin: germline.
Comment: Variant summary: SPG11 c.5651G>T (p.Arg1884Leu) results in a non-conservative amino acid change in the encoded protein sequence. Algorithms developed to predict the effect of missense changes on protein structure and function are either unavailable or do not agree on the potential impact of this missense change. The variant allele was found at a frequency of 4e-06 in 251434 control chromosomes. The available data on variant occurrences in the general population are insufficient to allow any conclusion about variant significance. To our knowledge, no occurrence of c.5651G>T in individuals affected with SPG11-related conditions and no experimental evidence demonstrating its impact on protein function have been reported. ClinVar contains an entry for this variant (Variation ID: 662615). Based on the evidence outlined above, the variant was classified as uncertain significance.

Labcorp Genetics (formerly Invitae), Labcorp
Classification: Uncertain significance for Hereditary spastic paraplegia 11. Last evaluated: 2022-07-19. Review status: criteria provided, single submitter. Criteria: Invitae Variant Classification Sherloc (09022015). Collection method: clinical testing. Allele origin: germline.
Comment: This sequence change replaces arginine, which is basic and polar, with leucine, which is neutral and non-polar, at codon 1884 of the SPG11 protein (p.Arg1884Leu). This variant is present in population databases (no rsID available, gnomAD 0.002%). This variant has not been reported in the literature in individuals affected with SPG11-related conditions. ClinVar contains an entry for this variant (Variation ID: 662615). Algorithms developed to predict the effect of missense changes on protein structure and function (SIFT, PolyPhen-2, Align-GVGD) all suggest that this variant is likely to be tolerated. In summary, the available evidence is currently insufficient to determine the role of this variant in disease. Therefore, it has been classified as a Variant of Uncertain Significance.

NM_025137.4(SPG11):c.5651G>T (p.Arg1884Leu)

Gene: SPG11 (SPG11 vesicle trafficking associated, spatacsin; minus strand). Cytogenetic location: 15q21.1.
Variant type: single nucleotide variant.
Coding change: c.5651G>T on transcript NM_025137.4 (MANE Select); coding-DNA position 5651, G replaced by T.
Protein change: p.Arg1884Leu; replaces arginine 1884 with leucine.
Molecular consequence: missense variant.
Genome position (GRCh38, 1-based): chr15:44,584,029, C>A on the plus strand (G>T on the coding strand, the complement: SPG11 is on the minus strand). VCF-style: chr15-44584029-C-A. GRCh37 (hg19) VCF-style: chr15-44876227-C-A.
Other names: c.5651G>T, p.Arg1884Leu (NM_001160227.2); short protein forms R1884L.
Identifiers: ClinVar variation 662615 (VCV000662615.7), dbSNP rs767776590, ClinGen allele CA270079826.